The following is an entry in ClinVar:

ClinVar aggregate classification (germline): Uncertain significance (1 of 4 stars; one submission).

Conditions:
Inborn genetic diseases. Identifiers: MedGen C0950123, MeSH D030342.

Submission:

Ambry Genetics
Classification: Uncertain significance for Inborn genetic diseases. Last evaluated: 2024-03-21. Review status: criteria provided, single submitter. Criteria: Ambry Variant Classification Scheme 2023. Collection method: clinical testing. Allele origin: germline.
Comment: The p.G387V variant (also known as c.1160G>T), located in coding exon 8 of the MIB1 gene, results from a G to T substitution at nucleotide position 1160. The glycine at codon 387 is replaced by valine, an amino acid with dissimilar properties. This amino acid position is conserved. In addition, this alteration is predicted to be deleterious by in silico analysis. Based on the available evidence, the clinical significance of this alteration remains unclear.

NM_020774.4(MIB1):c.1160G>T (p.Gly387Val)

Gene: MIB1 (MIB E3 ubiquitin protein ligase 1; plus strand). Cytogenetic location: 18q11.2.
Variant type: single nucleotide variant.
Coding change: c.1160G>T on transcript NM_020774.4 (MANE Select); coding-DNA position 1160, G replaced by T.
Protein change: p.Gly387Val; replaces glycine 387 with valine.
Molecular consequence: missense variant.
Genome position (GRCh38, 1-based): chr18:21,798,151, G>T. VCF-style: chr18-21798151-G-T. GRCh37 (hg19) VCF-style: chr18-19378112-G-T.
Other names: short protein forms G387V.
Identifiers: ClinVar variation 3294694 (VCV003294694.1).